The following is an entry in ClinVar:

ClinVar aggregate classification (germline): Likely pathogenic (1 of 4 stars; one submission).

Conditions:
Nemaline myopathy 2 (NEM2). Also called: Nemaline myopathy 2, autosomal recessive. Identifiers: MedGen C1850569, MONDO:0009725, OMIM 256030.

Submission:

Natera, Inc.
Classification: Likely pathogenic for Nemaline myopathy type 2. Last evaluated: 2025-09-27. Review status: criteria provided, single submitter. Criteria: Natera Variant Classification Schema (03/2026). Collection method: clinical testing. Allele origin: germline.
Comment: The c.13701_13705dup variant in NEB is a frameshift variant predicted to shift the reading frame beginning at codon 4569 and leads to a stop codon 18 codons downstream. This variant is expected to result in nonsense mediated decay, truncation, or a dysfunctional protein product. This variant is rare in the general population with a frequency below the threshold expected for the associated phenotype(s). Given the available evidence, this variant is classified as Likely Pathogenic.

NM_001164508.2(NEB):c.13701_13705dup (p.Arg4569fs)

Gene: NEB (nebulin; minus strand). Cytogenetic location: 2q23.3.
Variant type: Duplication.
Coding change: c.13701_13705dup on transcript NM_001164508.2 (MANE Select); coding-DNA positions 13701 to 13705, 5 bases duplicated (CTATC; older notation c.13701_13705dupCTATC).
Protein change: p.Arg4569fs; shifts the reading frame from arginine 4569.
Molecular consequence: frameshift variant. On other transcripts: intron variant (1).
Genome position (GRCh38, 1-based): chr2:151,600,525-151,600,529, GATAG duplicated on the plus strand (CTATC on the coding strand, the reverse complement: NEB is on the minus strand). VCF-style (leftmost placement, unchanged base first): chr2-151600524-C-CGATAG. GRCh37 (hg19) VCF-style: chr2-152457038-C-CGATAG.
Other names: c.13701_13705dup, p.Arg4569fs (NM_001164507.2, NM_001271208.2); c.11601+9280_11601+9284dup (NM_004543.5); short protein forms R4569fs.
Identifiers: ClinVar variation 4814727 (VCV004814727.1).